The following is an entry in ClinVar:

ClinVar aggregate classification (germline): Uncertain significance. Review status: criteria provided, multiple submitters, no conflicts (2 of 4 stars). 2 submissions from 2 submitters: Uncertain significance (2). Last evaluated 2024-02-09.

Conditions:
Cardiovascular phenotype. Identifiers: MedGen CN230736.
Brugada syndrome. Also called: Sudden unexpected nocturnal death syndrome; Sudden Unexplained Death Syndrome; Sudden Unexplained Nocturnal Death Syndrome (SUNDS); Sudden unexplained nocturnal death syndrome. Identifiers: Orphanet 130, MedGen C1142166, MONDO:0015263.

Allele frequency attached by ClinVar (database versions not stated): gnomAD exomes below 0.00001.
gnomAD v4.1: 1 of 1,601,806 alleles (0.000062%); highest among the groups gnomAD compares: Non-Finnish European, 0.000086%; no homozygotes.

Submissions (2):

Ambry Genetics
Classification: Uncertain significance for Cardiovascular phenotype. Last evaluated: 2024-02-09. Review status: criteria provided, single submitter. Criteria: Ambry Variant Classification Scheme 2023. Collection method: clinical testing. Allele origin: germline.
Comment: The p.G203A variant (also known as c.608G>C), located in coding exon 5 of the GPD1L gene, results from a G to C substitution at nucleotide position 608. The glycine at codon 203 is replaced by alanine, an amino acid with similar properties. This amino acid position is conserved. In addition, this alteration is predicted to be deleterious by in silico analysis. Based on the available evidence, the clinical significance of this alteration remains unclear.

Labcorp Genetics (formerly Invitae), Labcorp
Classification: Uncertain significance for Brugada syndrome. Last evaluated: 2018-12-05. Review status: criteria provided, single submitter. Criteria: Invitae Variant Classification Sherloc (09022015). Collection method: clinical testing. Allele origin: germline.
Comment: In summary, the available evidence is currently insufficient to determine the role of this variant in disease. Therefore, it has been classified as a Variant of Uncertain Significance. Algorithms developed to predict the effect of missense changes on protein structure and function (SIFT, PolyPhen-2, Align-GVGD) all suggest that this variant is likely to be disruptive, but these predictions have not been confirmed by published functional studies and their clinical significance is uncertain. This variant has not been reported in the literature in individuals with GPD1L-related disease. This variant is not present in population databases (ExAC no frequency). This sequence change replaces glycine with alanine at codon 203 of the GPD1L protein (p.Gly203Ala). The glycine residue is highly conserved and there is a small physicochemical difference between glycine and alanine.

NM_015141.4(GPD1L):c.608G>C (p.Gly203Ala)

Gene: GPD1L (glycerol-3-phosphate dehydrogenase 1 like; plus strand). Cytogenetic location: 3p22.3.
Variant type: single nucleotide variant.
Coding change: c.608G>C on transcript NM_015141.4 (MANE Select); coding-DNA position 608, G replaced by C.
Protein change: p.Gly203Ala; replaces glycine 203 with alanine.
Molecular consequence: missense variant.
Genome position (GRCh38, 1-based): chr3:32,146,724, G>C. VCF-style: chr3-32146724-G-C. GRCh37 (hg19) VCF-style: chr3-32188216-G-C.
Other names: short protein forms G203A.
Identifiers: ClinVar variation 582095 (VCV000582095.7), dbSNP rs1559579249, ClinGen allele CA351967704.